The following is an entry in ClinVar:

ClinVar aggregate classification (germline): Benign/Likely benign. Review status: criteria provided, multiple submitters, no conflicts (2 of 4 stars). 8 submissions from 8 submitters: Benign (2); Likely benign (5). 1 of the submissions does not count toward it. Last evaluated 2026-01-14.

Conditions:
Dystrophin deficiency.
Duchenne muscular dystrophy (DMD). Also called: MUSCULAR DYSTROPHY, PSEUDOHYPERTROPHIC PROGRESSIVE, DUCHENNE TYPE; Duchenne Muscular Dystrophy (DMD). Identifiers: Orphanet 98896, MedGen C0013264, MONDO:0010679, OMIM 310200.
Cardiomyopathy (CMYO). Also called: Cardiomyopathies. Identifiers: Orphanet 167848, MedGen C0878544, MONDO:0004994, HP:0001638. Inheritance: Various modes of inheritance.
Becker muscular dystrophy (BMD). Also called: MUSCULAR DYSTROPHY, PSEUDOHYPERTROPHIC PROGRESSIVE, BECKER TYPE; Becker Muscular Dystrophy (BMD). Identifiers: Orphanet 98895, MedGen C0917713, MONDO:0010311, OMIM 300376.
Cardiovascular phenotype. Identifiers: MedGen CN230736.

Allele frequency attached by ClinVar (database versions not stated): gnomAD exomes 0.00007; 1000 Genomes Project 0.00053; 1000 Genomes Project 30x 0.00062; gnomAD 0.00064 and 0.00069; TOPMed 0.00083; ESP Exome Variant Server 0.00095.
gnomAD v4.1: 146 of 1,209,262 alleles (0.012%); highest among the groups gnomAD compares: African/African-American, 0.23%; no homozygotes.

Submissions (8):

Labcorp Genetics (formerly Invitae), Labcorp
Classification: Benign for Duchenne muscular dystrophy. Last evaluated: 2026-01-14. Review status: criteria provided, single submitter. Criteria: Invitae Variant Classification Sherloc (09022015). Collection method: clinical testing. Allele origin: germline.

Molecular Diagnostic Laboratory for Inherited Cardiovascular Disease, Montreal Heart Institute
Classification: Likely benign. Last evaluated: 2025-04-09. Review status: criteria provided, single submitter. Criteria: ACMG Guidelines, 2015. Collection method: clinical testing. Allele origin: germline. Affected: no.
Comment: BS1;BP1;BP6

Women's Health and Genetics/Laboratory Corporation of America, LabCorp
Classification: Benign. Last evaluated: 2024-06-17. Review status: criteria provided, single submitter. Criteria: LabCorp Variant Classification Summary - May 2015. Collection method: clinical testing. Allele origin: germline.

CeGaT Center for Human Genetics Tuebingen
Classification: Likely benign. Last evaluated: 2023-01-01. Review status: criteria provided, single submitter. Criteria: CeGaT Center For Human Genetics Tuebingen Variant Classification Criteria Version 2. Collection method: clinical testing. Allele origin: germline. Affected: yes. Observed: 1 variant allele.
Comment: DMD: BP4, BP7, BS2

GeneDx
Classification: Likely benign. Last evaluated: 2020-01-03. Review status: criteria provided, single submitter. Criteria: GeneDx Variant Classification Process June 2021. Collection method: clinical testing. Allele origin: germline. Affected: yes.
Comment: This variant is associated with the following publications: (PMID: 23757202)

Eurofins Ntd Llc (ga)
Classification: Likely benign. Last evaluated: 2017-01-19. Review status: criteria provided, single submitter. Criteria: EGL Classification Definitions 2015. Collection method: clinical testing. Allele origin: germline. Observed: 3 variant alleles, 2 heterozygotes, 1 hemizygote.

Ambry Genetics
Classification: Likely benign for Cardiovascular phenotype. Last evaluated: 2015-08-04. Review status: criteria provided, single submitter. Criteria: Ambry Variant Classification Scheme 2023. Collection method: clinical testing. Allele origin: germline.

Natera, Inc.
Classification: Likely benign for Becker muscular dystrophy; Cardiomyopathy; Duchenne muscular dystrophy; Dystrophin deficiency. Last evaluated: 2019-06-19. Review status: no assertion criteria provided. Collection method: clinical testing. Allele origin: germline. Not counted in ClinVar's aggregate classification.

NM_004006.3(DMD):c.4125T>C (p.Thr1375=)

Gene: DMD (dystrophin; minus strand). Cytogenetic location: Xp21.1.
Variant type: single nucleotide variant.
Coding change: c.4125T>C on transcript NM_004006.3 (MANE Select); coding-DNA position 4125, T replaced by C.
Protein change: p.Thr1375=; no amino-acid change (threonine 1375 retained).
Molecular consequence: synonymous variant.
Genome position (GRCh38, 1-based): chrX:32,411,860, A>G on the plus strand (T>C on the coding strand, the complement: DMD is on the minus strand). VCF-style: chrX-32411860-A-G. GRCh37 (hg19) VCF-style: chrX-32429977-A-G.
Other names: c.4101T>C, p.Thr1367= (NM_000109.4); c.4113T>C, p.Thr1371= (NM_004009.3); c.3756T>C, p.Thr1252= (NM_004010.3); c.102T>C, p.Thr34= (NM_004011.4); c.93T>C, p.Thr31= (NM_004012.4).
Identifiers: ClinVar variation 94613 (VCV000094613.47), dbSNP rs144329742, ClinGen allele CA222393.